The following is an entry in ClinVar:

ClinVar aggregate classification (germline): Pathogenic (1 of 4 stars; one submission).

Conditions:
Acromesomelic dysplasia 1, Maroteaux type (AMD1). Also called: ACROMESOMELIC DYSPLASIA 1; ST. HELENA DYSPLASIA. Identifiers: Orphanet 40, MedGen C1864356, MONDO:0011275, OMIM 602875.
Tall stature-scoliosis-macrodactyly of the great toes syndrome. Also called: Epiphyseal chondrodysplasia, miura type. Identifiers: Orphanet 329191, MedGen C4014690, MONDO:0014401, OMIM 615923.

Submission:

Labcorp Genetics (formerly Invitae), Labcorp
Classification: Pathogenic for Tall stature-scoliosis-macrodactyly of the great toes syndrome; Acromesomelic dysplasia 1, Maroteaux type. Last evaluated: 2023-04-18. Review status: criteria provided, single submitter. Criteria: Invitae Variant Classification Sherloc (09022015). Collection method: clinical testing. Allele origin: germline.
Comment: This sequence change creates a premature translational stop signal (p.Gln282*) in the NPR2 gene. It is expected to result in an absent or disrupted protein product. Loss-of-function variants in NPR2 are known to be pathogenic (PMID: 15146390, 15572448, 16384845). This variant is not present in population databases (gnomAD no frequency). This premature translational stop signal has been observed in individual(s) with acromesomelic dysplasia (PMID: 15146390). Algorithms developed to predict the effect of sequence changes on RNA splicing suggest that this variant may disrupt the consensus splice site. For these reasons, this variant has been classified as Pathogenic.

Literature cited by the submitters: PubMed 15146390; PubMed 15572448; PubMed 16384845.

NM_003995.4(NPR2):c.844C>T (p.Gln282Ter)

Gene: NPR2 (natriuretic peptide receptor 2; plus strand). Cytogenetic location: 9p13.3.
Variant type: single nucleotide variant.
Coding change: c.844C>T on transcript NM_003995.4 (MANE Select); coding-DNA position 844, C replaced by T.
Protein change: p.Gln282Ter; replaces glutamine 282 with a stop codon.
Molecular consequence: nonsense.
Genome position (GRCh38, 1-based): chr9:35,794,074, C>T. VCF-style: chr9-35794074-C-T. GRCh37 (hg19) VCF-style: chr9-35794071-C-T.
Other names: c.844C>T, p.Gln282Ter (NM_001378923.1); short protein forms Q282*.
Identifiers: ClinVar variation 2925446 (VCV002925446.3), dbSNP rs371946199, ClinGen allele CA373367876.